The following is an entry in ClinVar:

NM_000256.3(MYBPC3):c.2566A>G (p.Arg856Gly)

Gene: MYBPC3 (myosin binding protein C3; minus strand). Cytogenetic location: 11p11.2.
Variant type: single nucleotide variant.
Coding change: c.2566A>G on transcript NM_000256.3 (MANE Select); coding-DNA position 2566, A replaced by G.
Protein change: p.Arg856Gly; replaces arginine 856 with glycine.
Molecular consequence: missense variant.
Genome position (GRCh38, 1-based): chr11:47,337,427, T>C on the plus strand (A>G on the coding strand, the complement: MYBPC3 is on the minus strand). VCF-style: chr11-47337427-T-C. GRCh37 (hg19) VCF-style: chr11-47358978-T-C.
Other names: short protein forms R856G.
Identifiers: ClinVar variation 2563096 (VCV002563096.2), dbSNP rs1157949784, ClinGen allele CA380318122.

ClinVar aggregate classification (germline): Uncertain significance (1 of 4 stars; one submission).

Conditions:
Cardiovascular phenotype. Identifiers: MedGen CN230736.

Allele frequency attached by ClinVar (database versions not stated): gnomAD 0.00001; TOPMed 0.00001.

Submission:

Ambry Genetics
Classification: Uncertain significance for Cardiovascular phenotype. Last evaluated: 2023-06-11. Review status: criteria provided, single submitter. Criteria: Ambry Variant Classification Scheme 2023. Collection method: clinical testing. Allele origin: germline.
Comment: The p.R856G variant (also known as c.2566A>G), located in coding exon 25 of the MYBPC3 gene, results from an A to G substitution at nucleotide position 2566. The arginine at codon 856 is replaced by glycine, an amino acid with dissimilar properties. This amino acid position is conserved. In addition, the in silico prediction for this alteration is inconclusive. Since supporting evidence is limited at this time, the clinical significance of this alteration remains unclear.